The following is an entry in ClinVar:

ClinVar aggregate classification (germline): Uncertain significance (1 of 4 stars; one submission).

Submission:

Labcorp Genetics (formerly Invitae), Labcorp
Classification: Uncertain significance. Last evaluated: 2022-09-26. Review status: criteria provided, single submitter. Criteria: Invitae Variant Classification Sherloc (09022015). Collection method: clinical testing. Allele origin: germline.
Comment: This sequence change replaces aspartic acid, which is acidic and polar, with histidine, which is basic and polar, at codon 104 of the AK7 protein (p.Asp104His). This variant is not present in population databases (gnomAD no frequency). This variant has not been reported in the literature in individuals affected with AK7-related conditions. Advanced modeling of protein sequence and biophysical properties (such as structural, functional, and spatial information, amino acid conservation, physicochemical variation, residue mobility, and thermodynamic stability) performed at Invitae indicates that this missense variant is not expected to disrupt AK7 protein function. In summary, the available evidence is currently insufficient to determine the role of this variant in disease. Therefore, it has been classified as a Variant of Uncertain Significance.

NM_152327.5(AK7):c.310G>C (p.Asp104His)

Gene: AK7 (adenylate kinase 7; plus strand). Cytogenetic location: 14q32.2.
Variant type: single nucleotide variant.
Coding change: c.310G>C on transcript NM_152327.5 (MANE Select); coding-DNA position 310, G replaced by C.
Protein change: p.Asp104His; replaces aspartic acid 104 with histidine.
Molecular consequence: missense variant.
Genome position (GRCh38, 1-based): chr14:96,404,772, G>C. VCF-style: chr14-96404772-G-C. GRCh37 (hg19) VCF-style: chr14-96871109-G-C.
Other names: c.310G>C, p.Asp104His (NM_001350888.2, NM_001350890.2, NM_001350891.2 and 1 more transcripts); short protein forms D104H.
Identifiers: ClinVar variation 2032675 (VCV002032675.4), dbSNP rs144934623, ClinGen allele CA390916015.